The following is an entry in ClinVar:

ClinVar aggregate classification (germline): Pathogenic. Review status: criteria provided, multiple submitters, no conflicts (2 of 4 stars). 2 submissions from 2 submitters: Pathogenic (2). Last evaluated 2026-05-04.

Conditions:
Hereditary cancer-predisposing syndrome. Also called: Tumor predisposition; Neoplastic Syndromes, Hereditary; Hereditary neoplastic syndrome; Hereditary Cancer Syndrome. Identifiers: Orphanet 140162, MedGen C0027672, MeSH D009386, MONDO:0015356.
Cardiovascular phenotype. Identifiers: MedGen CN230736.
Neurofibromatosis, type 1 (NF1). Also called: Peripheral type neurofibromatosis; Neurofibromatosis, type I; NEUROFIBROMATOSIS, TYPE I, SOMATIC; VON RECKLINGHAUSEN DISEASE. Identifiers: Orphanet 636, MedGen C0027831, MONDO:0018975, OMIM 162200. Disease mechanism: loss of function.

Submissions (2):

Ambry Genetics
Classification: Pathogenic for Cardiovascular phenotype; Hereditary cancer-predisposing syndrome. Last evaluated: 2026-05-04. Review status: criteria provided, single submitter. Criteria: Ambry Variant Classification Scheme 2023. Collection method: clinical testing. Allele origin: germline.
Comment: The p.W2296* pathogenic mutation (also known as c.6887G>A), located in coding exon 46 of the NF1 gene, results from a G to A substitution at nucleotide position 6887. This changes the amino acid from a tryptophan to a stop codon within coding exon 46. This variant is considered to be rare based on population cohorts in the Genome Aggregation Database (gnomAD). This variant was reported in an individual with features consistent with Neurofibromatosis type 1 (Maruoka R et al. Genet Test Mol Biomarkers, 2014 Nov;18:722-35). Note, this variant is also referred to as c.6950G>A (p.Trp2317*) in the literature. This alteration is expected to result in loss of function by premature protein truncation or nonsense-mediated mRNA decay. As such, this alteration is interpreted as a disease-causing mutation.

Labcorp Genetics (formerly Invitae), Labcorp
Classification: Pathogenic for Neurofibromatosis, type 1. Last evaluated: 2021-12-21. Review status: criteria provided, single submitter. Criteria: Invitae Variant Classification Sherloc (09022015). Collection method: clinical testing. Allele origin: germline.
Comment: For these reasons, this variant has been classified as Pathogenic. ClinVar contains an entry for this variant (Variation ID: 848870). This variant has not been reported in the literature in individuals affected with NF1-related conditions. This variant is not present in population databases (gnomAD no frequency). This sequence change creates a premature translational stop signal (p.Trp2296*) in the NF1 gene. It is expected to result in an absent or disrupted protein product. Loss-of-function variants in NF1 are known to be pathogenic (PMID: 10712197, 23913538).

Literature cited by the submitters: PubMed 25325900 (cited by Ambry Genetics); PubMed 10712197 (cited by Labcorp Genetics (formerly Invitae), Labcorp); PubMed 23913538 (cited by Labcorp Genetics (formerly Invitae), Labcorp).

NM_001042492.3(NF1):c.6950G>A (p.Trp2317Ter)

Gene: NF1 (neurofibromin 1; plus strand). Cytogenetic location: 17q11.2.
Variant type: single nucleotide variant.
Coding change: c.6950G>A on transcript NM_001042492.3 (MANE Select); coding-DNA position 6950, G replaced by A.
Protein change: p.Trp2317Ter; replaces tryptophan 2317 with a stop codon.
Molecular consequence: nonsense.
Genome position (GRCh38, 1-based): chr17:31,340,533, G>A. VCF-style: chr17-31340533-G-A. GRCh37 (hg19) VCF-style: chr17-29667551-G-A.
Other names: c.6887G>A, p.Trp2296Ter (NM_000267.4); short protein forms W2296*, W2317*.
Identifiers: ClinVar variation 848870 (VCV000848870.7), dbSNP rs2069790543, ClinGen allele CA399014900.
Genomic context (GRCh38, chr17:31,340,533, plus strand): 5'-CTTACTAGCCTCAAACATATCTTCTTTGCCAGGACTCGCCTCTGCACAAAGCCCTCTTTT[G>A]GGTAGCTGTGGCTGTGCTGCAGCTTGATGAGGTCAACTTGTATTCAGCAGGTACCGCACT-3'